The following is an entry in ClinVar:

NM_018684.4(ZC4H2):c.627G>C (p.Lys209Asn)

Gene: ZC4H2 (zinc finger C4H2-type containing; minus strand). Cytogenetic location: Xq11.2.
Variant type: single nucleotide variant.
Coding change: c.627G>C on transcript NM_018684.4 (MANE Select); coding-DNA position 627, G replaced by C.
Protein change: p.Lys209Asn; replaces lysine 209 with asparagine.
Molecular consequence: missense variant. On other transcripts: non-coding transcript variant (1).
Genome position (GRCh38, 1-based): chrX:64,917,831, C>G on the plus strand (G>C on the coding strand, the complement: ZC4H2 is on the minus strand). VCF-style: chrX-64917831-C-G. GRCh37 (hg19) VCF-style: chrX-64137711-C-G.
Other names: c.558G>C, p.Lys186Asn (NM_001178032.3, NM_001243804.2); c.464G>C, p.Arg155Thr (NM_001178033.3); short protein forms K186N, K209N, R155T.
Identifiers: ClinVar variation 1059458 (VCV001059458.2), dbSNP rs182681228, ClinGen allele CA413411111.

ClinVar aggregate classification (germline): Pathogenic (1 of 4 stars; one submission).

Submission:

Labcorp Genetics (formerly Invitae), Labcorp
Classification: Pathogenic. Last evaluated: 2021-09-20. Review status: criteria provided, single submitter. Criteria: Invitae Variant Classification Sherloc (09022015). Collection method: clinical testing. Allele origin: germline.
Comment: This sequence change replaces lysine with asparagine at codon 209 of the ZC4H2 protein (p.Lys209Asn). The lysine residue is highly conserved and there is a moderate physicochemical difference between lysine and asparagine. This variant is not present in population databases (ExAC no frequency). This missense change has been observed in individual(s) with clinical features of Wieacker-Wolff syndrome (PMID: 29803542; Invitae). In at least one individual the variant was observed to be de novo. ClinVar contains an entry for this variant (Variation ID: 1059458). Algorithms developed to predict the effect of missense changes on protein structure and function (SIFT, PolyPhen-2, Align-GVGD) all suggest that this variant is likely to be disruptive. Experimental studies have shown that this missense change affects ZC4H2 function (PMID: 29803542). For these reasons, this variant has been classified as Pathogenic.

Literature cited by the submitters: PubMed 29803542.